The following is an entry in ClinVar:

NM_004787.4(SLIT2):c.1349T>C (p.Ile450Thr)

Gene: SLIT2 (slit guidance ligand 2; plus strand). Cytogenetic location: 4p15.31.
Variant type: single nucleotide variant.
Coding change: c.1349T>C on transcript NM_004787.4 (MANE Select); coding-DNA position 1349, T replaced by C.
Protein change: p.Ile450Thr; replaces isoleucine 450 with threonine.
Molecular consequence: missense variant.
Genome position (GRCh38, 1-based): chr4:20,524,088, T>C. VCF-style: chr4-20524088-T-C. GRCh37 (hg19) VCF-style: chr4-20525711-T-C.
Other names: p.Ile450Thr; c.1361T>C, p.Ile454Thr (NM_001289135.3); c.1349T>C, p.Ile450Thr (NM_001289136.3); c.1349T>C (NM_004787.1); short protein forms I450T, I454T.
Identifiers: ClinVar variation 2051496 (VCV002051496.6), dbSNP rs770247769, ClinGen allele CA2871426.

ClinVar aggregate classification (germline): Uncertain significance. Review status: criteria provided, multiple submitters, no conflicts (2 of 4 stars). 3 submissions from 3 submitters: Uncertain significance (3). Last evaluated 2025-08-04.

Allele frequency attached by ClinVar (database versions not stated): ExAC 0.00005; TOPMed 0.00001; gnomAD exomes 0.00002.
gnomAD v4.1: 23 of 1,614,166 alleles (0.0014%); highest among the groups gnomAD compares: Admixed American, 0.022%; no homozygotes.

Submissions (3):

Ambry Genetics
Classification: Uncertain significance. Last evaluated: 2025-08-04. Review status: criteria provided, single submitter. Criteria: Ambry Variant Classification Scheme 2023. Collection method: clinical testing. Allele origin: germline.

Mayo Clinic Laboratories, Mayo Clinic
Classification: Uncertain significance. Last evaluated: 2024-08-14. Review status: criteria provided, single submitter. Criteria: ACMG Guidelines, 2015. Collection method: clinical testing. Allele origin: germline. Observed: 1 variant allele.
Comment: PP3

Labcorp Genetics (formerly Invitae), Labcorp
Classification: Uncertain significance. Last evaluated: 2024-06-03. Review status: criteria provided, single submitter. Criteria: Invitae Variant Classification Sherloc (09022015). Collection method: clinical testing. Allele origin: germline.
Comment: This sequence change replaces isoleucine, which is neutral and non-polar, with threonine, which is neutral and polar, at codon 450 of the SLIT2 protein (p.Ile450Thr). This variant is present in population databases (rs770247769, gnomAD 0.02%). This variant has not been reported in the literature in individuals affected with SLIT2-related conditions. ClinVar contains an entry for this variant (Variation ID: 2051496). An algorithm developed to predict the effect of missense changes on protein structure and function (PolyPhen-2) suggests that this variant is likely to be tolerated. In summary, the available evidence is currently insufficient to determine the role of this variant in disease. Therefore, it has been classified as a Variant of Uncertain Significance.